The following is an entry in ClinVar:

NM_000088.4(COL1A1):c.1721G>A (p.Arg574His)

Gene: COL1A1 (collagen type I alpha 1 chain; minus strand). Cytogenetic location: 17q21.33.
Variant type: single nucleotide variant.
Coding change: c.1721G>A on transcript NM_000088.4 (MANE Select); coding-DNA position 1721, G replaced by A.
Protein change: p.Arg574His; replaces arginine 574 with histidine.
Molecular consequence: missense variant.
Genome position (GRCh38, 1-based): chr17:50,193,989, C>T on the plus strand (G>A on the coding strand, the complement: COL1A1 is on the minus strand). VCF-style: chr17-50193989-C-T. GRCh37 (hg19) VCF-style: chr17-48271350-C-T.
Other names: short protein forms R574H.
Identifiers: ClinVar variation 970426 (VCV000970426.16), dbSNP rs763788602, ClinGen allele CA8645130.

ClinVar aggregate classification (germline): Uncertain significance. Review status: criteria provided, multiple submitters, no conflicts (2 of 4 stars). 3 submissions from 3 submitters: Uncertain significance (3). Last evaluated 2025-12-26.

Conditions:
Osteogenesis imperfecta type I (OI1). Also called: Osteogenesis imperfecta type 1; Lobstein's Disease; OI, TYPE I; OSTEOGENESIS IMPERFECTA TARDA; OSTEOGENESIS IMPERFECTA WITH BLUE SCLERAE; Lobstein disease. Identifiers: Orphanet 216796, Orphanet 666, MedGen C0023931, MONDO:0008146, OMIM 166200. Disease mechanism: loss of function.
Cardiovascular phenotype. Identifiers: MedGen CN230736.

Allele frequency attached by ClinVar (database versions not stated): gnomAD exomes 0.00001 and 0.00002; ExAC 0.00003; gnomAD 0.00004; TOPMed 0.00004.
gnomAD v4.1: 27 of 1,614,044 alleles (0.0017%); highest among the groups gnomAD compares: Middle Eastern, 0.033%; no homozygotes.

Submissions (3):

Ambry Genetics
Classification: Uncertain significance for Cardiovascular phenotype. Last evaluated: 2025-12-26. Review status: criteria provided, single submitter. Criteria: Ambry Variant Classification Scheme 2023. Collection method: clinical testing. Allele origin: germline.
Comment: The p.R574H variant (also known as c.1721G>A), located in coding exon 25 of the COL1A1 gene, results from a G to A substitution at nucleotide position 1721. The arginine at codon 574 is replaced by histidine, an amino acid with highly similar properties. This amino acid position is conserved. In addition, this alteration is predicted to be deleterious by in silico analysis. Based on the available evidence, the clinical significance of this variant remains unclear.

CeGaT Center for Human Genetics Tuebingen
Classification: Uncertain significance. Last evaluated: 2025-07-01. Review status: criteria provided, single submitter. Criteria: CeGaT Center For Human Genetics Tuebingen Variant Classification Criteria Version 2. Collection method: clinical testing. Allele origin: germline. Affected: yes. Observed: 1 variant allele.
Comment: COL1A1: PM5, PP3

Labcorp Genetics (formerly Invitae), Labcorp
Classification: Uncertain significance for Osteogenesis imperfecta type I. Last evaluated: 2025-03-18. Review status: criteria provided, single submitter. Criteria: Invitae Variant Classification Sherloc (09022015). Collection method: clinical testing. Allele origin: germline.
Comment: This sequence change replaces arginine, which is basic and polar, with histidine, which is basic and polar, at codon 574 of the COL1A1 protein (p.Arg574His). This variant is present in population databases (rs763788602, gnomAD 0.01%). This variant has not been reported in the literature in individuals affected with COL1A1-related conditions. ClinVar contains an entry for this variant (Variation ID: 970426). Invitae Evidence Modeling of protein sequence and biophysical properties (such as structural, functional, and spatial information, amino acid conservation, physicochemical variation, residue mobility, and thermodynamic stability) indicates that this missense variant is expected to disrupt COL1A1 protein function with a positive predictive value of 95%. In summary, the available evidence is currently insufficient to determine the role of this variant in disease. Therefore, it has been classified as a Variant of Uncertain Significance.